The following is an entry in ClinVar:

GRCh38/hg38 14q13.3-21.1(chr14:36434568-41102476)x1

Genes: CLEC14A (C-type lectin domain containing 14A; minus strand), FBXO33 (F-box protein 33; minus strand), FOXA1 (forkhead box A1; minus strand), GEMIN2 (gem nuclear organelle associated protein 2; plus strand), LINC00517 (long intergenic non-protein coding RNA 517; minus strand) and 59 more. Cytogenetic location: 14q13.3-21.1.
Variant type: copy number loss.
Change: copy number 1 (one copy instead of two) of chr14:36,434,568-41,102,476 (4.67 Mb, GRCh38 coordinates, 1-based), cytogenetic band 14q13.3-21.1.
Identifiers: ClinVar variation 57775 (VCV000057775.1).

ClinVar aggregate classification (germline): Pathogenic (1 of 4 stars; one submission).

Submission:

ISCA site 4
Classification: Pathogenic. Last evaluated: 2011-08-12. Review status: criteria provided, single submitter. Criteria: Kaminsky et al. (Genet Med. 2011). Collection method: clinical testing. Allele origin: unknown. Affected: yes. Observed: 1 variant allele.
Comment: Copy number variation identified through the course of routine clinical cytogenomic testing in postnatal populations. Clinical assertions have been curated as described in Kaminsky et al. 2011.